The following is an entry in ClinVar:

NM_000465.4(BARD1):c.1004_1005del (p.Arg335fs)

Gene: BARD1 (BRCA1 associated RING domain 1; minus strand). Cytogenetic location: 2q35.
Variant type: Microsatellite.
Coding change: c.1004_1005del on transcript NM_000465.4 (MANE Select); coding-DNA positions 1004 to 1005, 2 bases deleted (GA; older notation c.1004_1005delGA).
Protein change: p.Arg335fs; shifts the reading frame from arginine 335.
Molecular consequence: frameshift variant. On other transcripts: non-coding transcript variant (2), intron variant (3).
Genome position (GRCh38, 1-based): chr2:214,780,869-214,780,870, TC deleted on the plus strand (GA on the coding strand, the reverse complement: BARD1 is on the minus strand); deleting any 2 consecutive bases within chr2:214,780,869-214,780,873 gives the same sequence; the c. name uses the placement nearest the transcript's 3' end. VCF-style (leftmost placement, unchanged base first): chr2-214780868-ATC-A. GRCh37 (hg19) VCF-style: chr2-215645592-ATC-A.
Other names: c.947_948del, p.Arg316fs (NM_001282543.2); c.159-28315_159-28314del (NM_001282548.2); c.215+16191_215+16192del (NM_001282545.2); c.364+11427_364+11428del (NM_001282549.2); short protein forms R316fs, R335fs.
Identifiers: ClinVar variation 1776479 (VCV001776479.2), dbSNP rs2469505389, ClinGen allele CA2580616688.

ClinVar aggregate classification (germline): Pathogenic (1 of 4 stars; one submission).

Conditions:
Hereditary cancer-predisposing syndrome. Also called: Neoplastic Syndromes, Hereditary; Tumor predisposition; Hereditary Cancer Syndrome; Hereditary neoplastic syndrome. Identifiers: Orphanet 140162, MedGen C0027672, MeSH D009386, MONDO:0015356.

Submission:

Ambry Genetics
Classification: Pathogenic for Hereditary cancer-predisposing syndrome. Last evaluated: 2020-10-06. Review status: criteria provided, single submitter. Criteria: Ambry Variant Classification Scheme 2023. Collection method: clinical testing. Allele origin: germline.
Comment: The c.1004_1005delGA pathogenic mutation, located in coding exon 4 of the BARD1 gene, results from a deletion of two nucleotides at nucleotide positions 1004 to 1005, causing a translational frameshift with a predicted alternate stop codon (p.R335Mfs*2). This alteration is expected to result in loss of function by premature protein truncation or nonsense-mediated mRNA decay. As such, this alteration is interpreted as a disease-causing mutation.